The following is an entry in ClinVar:

ClinVar aggregate classification (germline): Pathogenic. Review status: criteria provided, multiple submitters, no conflicts (2 of 4 stars). 2 submissions from 2 submitters: Pathogenic (2). Last evaluated 2023-09-08.

Conditions:
Juvenile polyposis syndrome (JPS). Identifiers: Orphanet 2929, MedGen C0345893, MONDO:0017380, OMIM 174900.
Familial thoracic aortic aneurysm and aortic dissection (TAAD). Also called: Thoracic aortic aneurysms and dissections. Identifiers: Orphanet 91387, MedGen C4707243, MONDO:0019625.
Hereditary cancer-predisposing syndrome. Also called: Neoplastic Syndromes, Hereditary; Tumor predisposition; Hereditary neoplastic syndrome; Hereditary Cancer Syndrome. Identifiers: Orphanet 140162, MedGen C0027672, MeSH D009386, MONDO:0015356.

Submissions (2):

Labcorp Genetics (formerly Invitae), Labcorp
Classification: Pathogenic for Juvenile polyposis syndrome. Last evaluated: 2023-09-08. Review status: criteria provided, single submitter. Criteria: Invitae Variant Classification Sherloc (09022015). Collection method: clinical testing. Allele origin: germline.
Comment: For these reasons, this variant has been classified as Pathogenic. ClinVar contains an entry for this variant (Variation ID: 1757953). This variant has not been reported in the literature in individuals affected with SMAD4-related conditions. This variant is not present in population databases (gnomAD no frequency). This sequence change creates a premature translational stop signal (p.Ser242*) in the SMAD4 gene. It is expected to result in an absent or disrupted protein product. Loss-of-function variants in SMAD4 are known to be pathogenic (PMID: 16152648, 16436638, 22810475).

Ambry Genetics
Classification: Pathogenic for Hereditary cancer-predisposing syndrome; Familial thoracic aortic aneurysm and aortic dissection. Last evaluated: 2017-02-27. Review status: criteria provided, single submitter. Criteria: Ambry Variant Classification Scheme 2023. Collection method: clinical testing. Allele origin: germline.
Comment: The p.S242* pathogenic mutation (also known as c.725C>G), located in coding exon 5 of the SMAD4 gene, results from a C to G substitution at nucleotide position 725. This changes the amino acid from a serine to a stop codon within coding exon 5. This alteration is expected to result in loss of function by premature protein truncation or nonsense-mediated mRNA decay. As such, this alteration is interpreted as a disease-causing mutation.

Literature cited by the submitters: PubMed 16152648 (cited by Labcorp Genetics (formerly Invitae), Labcorp); PubMed 16436638 (cited by Labcorp Genetics (formerly Invitae), Labcorp); PubMed 22810475 (cited by Labcorp Genetics (formerly Invitae), Labcorp).

NM_005359.6(SMAD4):c.725C>G (p.Ser242Ter)

Gene: SMAD4 (SMAD family member 4; plus strand). Cytogenetic location: 18q21.2.
Variant type: single nucleotide variant.
Coding change: c.725C>G on transcript NM_005359.6 (MANE Select); coding-DNA position 725, C replaced by G.
Protein change: p.Ser242Ter; replaces serine 242 with a stop codon.
Molecular consequence: nonsense.
Genome position (GRCh38, 1-based): chr18:51,058,182, C>G. VCF-style: chr18-51058182-C-G. GRCh37 (hg19) VCF-style: chr18-48584552-C-G.
Other names: c.725C>G, p.Ser242Ter (NM_001407041.1, NM_001407042.1, NM_001407043.1); short protein forms S242*.
Identifiers: ClinVar variation 1757953 (VCV001757953.5), dbSNP rs2144427139, ClinGen allele CA402462839.